The following is an entry in ClinVar:

NM_001371623.1(TCOF1):c.3582T>G (p.Asp1194Glu)

Gene: TCOF1 (treacle ribosome biogenesis factor 1; plus strand). Cytogenetic location: 5q32.
Variant type: single nucleotide variant.
Coding change: c.3582T>G on transcript NM_001371623.1 (MANE Select); coding-DNA position 3582, T replaced by G.
Protein change: p.Asp1194Glu; replaces aspartic acid 1194 with glutamic acid.
Molecular consequence: missense variant.
Genome position (GRCh38, 1-based): chr5:150,392,769, T>G. VCF-style: chr5-150392769-T-G. GRCh37 (hg19) VCF-style: chr5-149772332-T-G.
Other names: c.3465T>G, p.Asp1155Glu (NM_001195141.2); c.3348T>G, p.Asp1116Glu (NM_000356.4); c.3579T>G, p.Asp1193Glu (NM_001135243.2); c.3468T>G, p.Asp1156Glu (NM_001135244.2); c.3351T>G, p.Asp1117Glu (NM_001135245.2); short protein forms D1194E, D1117E, D1156E, D1116E, D1155E, D1193E.
Identifiers: ClinVar variation 3454312 (VCV003454312.4).

ClinVar aggregate classification (germline): Uncertain significance. Review status: criteria provided, multiple submitters, no conflicts (2 of 4 stars). 3 submissions from 3 submitters: Uncertain significance (3). Last evaluated 2025-12-03.

Conditions:
Treacher Collins syndrome 1 (TCS1). Also called: TCOF1-Related Treacher Collins Syndrome. Identifiers: Orphanet 861, MedGen CN315775, MONDO:0007944, OMIM 154500.
TCOF1-related disorder. Also called: TCOF1-related condition.
Inborn genetic diseases. Identifiers: MedGen C0950123, MeSH D030342.

gnomAD v4.1: 20 of 1,614,016 alleles (0.0012%); highest among the groups gnomAD compares: Non-Finnish European, 0.0017%; no homozygotes.

Submissions (3):

Labcorp Genetics (formerly Invitae), Labcorp
Classification: Uncertain significance for Treacher Collins syndrome 1. Last evaluated: 2025-12-03. Review status: criteria provided, single submitter. Criteria: Invitae Variant Classification Sherloc (09022015). Collection method: clinical testing. Allele origin: germline.
Comment: This sequence change replaces aspartic acid, which is acidic and polar, with glutamic acid, which is acidic and polar, at codon 1193 of the TCOF1 protein (p.Asp1193Glu). This variant is present in population databases (no rsID available, gnomAD 0.0009%). This variant has not been reported in the literature in individuals affected with TCOF1-related conditions. ClinVar contains an entry for this variant (Variation ID: 3454312). An algorithm developed to predict the effect of missense changes on protein structure and function outputs the following: PolyPhen-2: "Possibly Damaging". The glutamic acid amino acid residue is found in multiple mammalian species, which suggests that this missense change does not adversely affect protein function. In summary, the available evidence is currently insufficient to determine the role of this variant in disease. Therefore, it has been classified as a Variant of Uncertain Significance.

PreventionGenetics, part of Exact Sciences
Classification: Uncertain significance for TCOF1-related condition. Last evaluated: 2025-02-25. Review status: criteria provided, single submitter. Criteria: ACMG Guidelines, 2015. Collection method: clinical testing. Allele origin: germline.
Comment: The TCOF1 c.3579T>G variant is predicted to result in the amino acid substitution p.Asp1193Glu. To our knowledge, this variant has not been reported in the literature. This variant is reported in 0.0018% of alleles in individuals of European (Non-Finnish) descent in gnomAD. At this time, the clinical significance of this variant is uncertain due to the absence of conclusive functional and genetic evidence.

Ambry Genetics
Classification: Uncertain significance for Inborn genetic diseases. Last evaluated: 2024-11-25. Review status: criteria provided, single submitter. Criteria: Ambry Variant Classification Scheme 2023. Collection method: clinical testing. Allele origin: germline.